The following is an entry in ClinVar:

NM_018192.4(P3H2):c.285GCCCCC[3] (p.Pro98_Pro99dup)

Genes: P3H2 (prolyl 3-hydroxylase 2; minus strand), LOC129938149 (ATAC-STARR-seq lymphoblastoid silent region 14999; plus strand). Cytogenetic location: 3q28.
Variant type: Microsatellite.
Coding change: c.285GCCCCC[3] on transcript NM_018192.4 (MANE Select); three copies in a row of the 6-base unit GCCCCC starting at c.285; the reference has two copies in a row; one copy, 6 bases duplicated.
Protein change: p.Pro98_Pro99dup.
Molecular consequence: inframe insertion. On other transcripts: intron variant (1).
Genome position (GRCh38, 1-based): chr3:190,120,436-190,120,441, GGGGGC duplicated on the plus strand (GCCCCC on the coding strand, the reverse complement: P3H2 is on the minus strand); duplicating any 6 consecutive bases within chr3:190,120,436-190,120,450 gives the same sequence; the position shown is the placement nearest the transcript's 3' end. VCF-style (leftmost placement, unchanged base first): chr3-190120435-G-GGGGGGC. GRCh37 (hg19) VCF-style: chr3-189838224-G-GGGGGGC.
Other names: c.-64+1756GCCCCC[3] (NM_001134418.2).
Identifiers: ClinVar variation 836060 (VCV000836060.4), dbSNP rs751349719, ClinGen allele CA2753398.

ClinVar aggregate classification (germline): Uncertain significance (1 of 4 stars; one submission).

Submission:

Labcorp Genetics (formerly Invitae), Labcorp
Classification: Uncertain significance. Last evaluated: 2022-10-17. Review status: criteria provided, single submitter. Criteria: Invitae Variant Classification Sherloc (09022015). Collection method: clinical testing. Allele origin: germline.
Comment: This variant, c.291_296dup, results in the insertion of 2 amino acid(s) of the P3H2 protein (p.Pro98_Pro99dup), but otherwise preserves the integrity of the reading frame. This variant is present in population databases (rs751349719, gnomAD 0.02%). This variant has not been reported in the literature in individuals affected with P3H2-related conditions. ClinVar contains an entry for this variant (Variation ID: 836060). Experimental studies and prediction algorithms are not available or were not evaluated, and the functional significance of this variant is currently unknown. In summary, the available evidence is currently insufficient to determine the role of this variant in disease. Therefore, it has been classified as a Variant of Uncertain Significance.